The following is an entry in ClinVar:

NM_006767.4(LZTR1):c.1310G>A (p.Trp437Ter)

Gene: LZTR1 (leucine zipper like post translational regulator 1; plus strand). Cytogenetic location: 22q11.21.
Variant type: single nucleotide variant.
Coding change: c.1310G>A on transcript NM_006767.4 (MANE Select); coding-DNA position 1310, G replaced by A.
Protein change: p.Trp437Ter; replaces tryptophan 437 with a stop codon.
Molecular consequence: nonsense.
Genome position (GRCh38, 1-based): chr22:20,993,711, G>A. VCF-style: chr22-20993711-G-A. GRCh37 (hg19) VCF-style: chr22-21348000-G-A.
Other names: short protein forms W437*.
Identifiers: ClinVar variation 1319829 (VCV001319829.8), dbSNP rs746949078, ClinGen allele CA410774503.
Genomic context (GRCh38, chr22:20,993,711, plus strand): 5'-CCCTCTTGCAGTTCTCCTGTTACCCTAAATGCACGCTGCACGAGGACTACGGGCGGCTGT[G>A]GGAGAGCCGCCAGTTCTGCGACGTGGAGTTCGTGCTGGGTGAGGTGGGTGCCTGTCCTCG-3'

ClinVar aggregate classification (germline): Pathogenic/Likely pathogenic. Review status: criteria provided, multiple submitters, no conflicts (2 of 4 stars). 4 submissions from 4 submitters: Pathogenic (3); Likely pathogenic (1). Last evaluated 2025-11-03.

Conditions:
Hereditary cancer-predisposing syndrome. Also called: Hereditary neoplastic syndrome; Neoplastic Syndromes, Hereditary; Tumor predisposition; Hereditary Cancer Syndrome. Identifiers: Orphanet 140162, MedGen C0027672, MeSH D009386, MONDO:0015356.
Cardiovascular phenotype. Identifiers: MedGen CN230736.
Noonan syndrome 2 (NS2). Identifiers: Orphanet 648, MedGen C1854469, MONDO:0011531, OMIM 605275.

Submissions (4):

Ambry Genetics
Classification: Pathogenic for Cardiovascular phenotype; Hereditary cancer-predisposing syndrome. Last evaluated: 2025-11-03. Review status: criteria provided, single submitter. Criteria: Ambry Variant Classification Scheme 2023. Collection method: clinical testing. Allele origin: germline.
Comment: The p.W437* pathogenic mutation (also known as c.1310G>A), located in coding exon 12 of the LZTR1 gene, results from a G to A substitution at nucleotide position 1310. This changes the amino acid from a tryptophan to a stop codon within coding exon 12. This variant is considered to be rare based on population cohorts in the Genome Aggregation Database (gnomAD). This alteration is expected to result in loss of function by premature protein truncation or nonsense-mediated mRNA decay. Loss-of-function variants in LZTR1 are related to an increased risk for schwannomas and autosomal recessive Noonan syndrome; however, such associations with autosomal dominant Noonan syndrome have not been observed (Piotrowski A et al. Nat Genet. 2014 Feb;46:182-7; Yamamoto GL et al. J Med Genet. 2015 Jun;52:413-21; Johnston JJ et al. Genet Med. 2018 10;20:1175-1185). Based on the supporting evidence, this variant is pathogenic for an increased risk of LZTR1-related schwannomatosis (SWN) and would be expected to cause autosomal recessive Noonan syndrome when present along with a second pathogenic or likely pathogenic variant on the other allele; however, the association of this alteration with autosomal dominant Noonan syndrome is unlikely.

Labcorp Genetics (formerly Invitae), Labcorp
Classification: Pathogenic. Last evaluated: 2025-09-11. Review status: criteria provided, single submitter. Criteria: Invitae Variant Classification Sherloc (09022015). Collection method: clinical testing. Allele origin: germline.
Comment: This sequence change creates a premature translational stop signal (p.Trp437*) in the LZTR1 gene. It is expected to result in an absent or disrupted protein product. Loss-of-function variants in LZTR1 are known to be pathogenic (PMID: 24362817, 25335493, 25480913, 25795793, 29469822, 30368668, 30442762, 30442766, 30481304, 30859559). This variant is not present in population databases (gnomAD no frequency). This premature translational stop signal has been observed in individual(s) with Noonan syndrome (PMID: 30859559). ClinVar contains an entry for this variant (Variation ID: 1319829). For these reasons, this variant has been classified as Pathogenic.

OLLIN Analises Genomicas, OLLIN
Classification: Likely pathogenic for Noonan syndrome 2. Last evaluated: 2025-08-29. Review status: criteria provided, single submitter. Criteria: ACMG Guidelines 2015 PMID 25741868. Collection method: clinical testing. Allele origin: germline. Affected: yes. Observed: 1 variant allele.
Comment: The nonsense variant (chr22:20993711G>A), located in exon 12 (of 21), is reported in ClinVar (VCV001319829.7) and gnomAD v4.1 non-UKB with an allele frequency of 0.00032%, however, no description was found in the scientific literature. It introduces an early stop codon, resulting in a truncated protein or mRNA degradation via nonsense-mediated decay (NMD). Another pathogenic nonsense variant in the same codon has also been reported in patients with autosomal recessive Noonan syndrome (PMID: 30859559). According to the currently available evidence and the specific ClinGen criteria for the gene (PMID: 29493581), this variant has been classified as likely pathogenic (PVS1, PM2_P).

Institute for Clinical Genetics, University Hospital TU Dresden, University Hospital TU Dresden
Classification: Pathogenic. Last evaluated: 2021-11-03. Review status: criteria provided, single submitter. Criteria: ACMG Guidelines, 2015. Collection method: clinical testing. Allele origin: germline.

Literature cited by the submitters: PubMed 24362817 (cited by Labcorp Genetics (formerly Invitae), Labcorp); PubMed 25335493 (cited by Labcorp Genetics (formerly Invitae), Labcorp); PubMed 25480913 (cited by Labcorp Genetics (formerly Invitae), Labcorp); PubMed 25795793 (cited by Labcorp Genetics (formerly Invitae), Labcorp); PubMed 29469822 (cited by Labcorp Genetics (formerly Invitae), Labcorp); PubMed 30368668 (cited by Labcorp Genetics (formerly Invitae), Labcorp); PubMed 30442762 (cited by Labcorp Genetics (formerly Invitae), Labcorp); PubMed 30442766 (cited by Labcorp Genetics (formerly Invitae), Labcorp); PubMed 30481304 (cited by Labcorp Genetics (formerly Invitae), Labcorp); PubMed 30859559 (cited by Labcorp Genetics (formerly Invitae), Labcorp and OLLIN Analises Genomicas, OLLIN); PubMed 29493581 (cited by OLLIN Analises Genomicas, OLLIN).